The following is an entry in ClinVar:

ClinVar aggregate classification (germline): Uncertain significance (1 of 4 stars; one submission).

Allele frequency attached by ClinVar (database versions not stated): TOPMed 0.00001.

Submission:

Labcorp Genetics (formerly Invitae), Labcorp
Classification: Uncertain significance. Last evaluated: 2022-08-16. Review status: criteria provided, single submitter. Criteria: Invitae Variant Classification Sherloc (09022015). Collection method: clinical testing. Allele origin: germline.
Comment: This variant is not present in population databases (gnomAD no frequency). In summary, the available evidence is currently insufficient to determine the role of this variant in disease. Therefore, it has been classified as a Variant of Uncertain Significance. Algorithms developed to predict the effect of missense changes on protein structure and function (SIFT, PolyPhen-2, Align-GVGD) all suggest that this variant is likely to be disruptive. ClinVar contains an entry for this variant (Variation ID: 1510873). This variant has not been reported in the literature in individuals affected with UQCC2-related conditions. This sequence change replaces tryptophan, which is neutral and slightly polar, with arginine, which is basic and polar, at codon 16 of the UQCC2 protein (p.Trp16Arg).

NM_032340.4(UQCC2):c.46T>C (p.Trp16Arg)

Gene: UQCC2 (ubiquinol-cytochrome c reductase complex assembly factor 2; minus strand). Cytogenetic location: 6p21.31.
Variant type: single nucleotide variant.
Coding change: c.46T>C on transcript NM_032340.4 (MANE Select); coding-DNA position 46, T replaced by C.
Protein change: p.Trp16Arg; replaces tryptophan 16 with arginine.
Molecular consequence: missense variant.
Genome position (GRCh38, 1-based): chr6:33,711,641, A>G on the plus strand (T>C on the coding strand, the complement: UQCC2 is on the minus strand). VCF-style: chr6-33711641-A-G. GRCh37 (hg19) VCF-style: chr6-33679418-A-G.
Other names: short protein forms W16R.
Identifiers: ClinVar variation 1510873 (VCV001510873.6), dbSNP rs1765774402, ClinGen allele CA363681378.